The following is an entry in ClinVar:

NM_001371986.1(UNC80):c.5147C>T (p.Thr1716Met)

Genes: UNC80 (unc-80 homolog, NALCN channel complex subunit; plus strand), LOC126806490 (P300/CBP strongly-dependent group 1 enhancer GRCh37_chr2:210782411-210783610; plus strand). Cytogenetic location: 2q34.
Variant type: single nucleotide variant.
Coding change: c.5147C>T on transcript NM_001371986.1 (MANE Select); coding-DNA position 5147, C replaced by T.
Protein change: p.Thr1716Met; replaces threonine 1716 with methionine.
Molecular consequence: missense variant.
Genome position (GRCh38, 1-based): chr2:209,917,894, C>T. VCF-style: chr2-209917894-C-T. GRCh37 (hg19) VCF-style: chr2-210782618-C-T.
Other names: c.4949C>T, p.Thr1650Met (NM_032504.2); c.4934C>T, p.Thr1645Met (NM_182587.4); short protein forms T1645M, T1650M, T1716M.
Identifiers: ClinVar variation 1523709 (VCV001523709.4), dbSNP rs1337709618, ClinGen allele CA350759189.

ClinVar aggregate classification (germline): Uncertain significance (1 of 4 stars; one submission).

Allele frequency attached by ClinVar (database versions not stated): TOPMed below 0.00001.
gnomAD v4.1: 13 of 1,551,676 alleles (0.00084%); highest among the groups gnomAD compares: East Asian, 0.0024%; no homozygotes.

Submission:

Labcorp Genetics (formerly Invitae), Labcorp
Classification: Uncertain significance. Last evaluated: 2021-04-06. Review status: criteria provided, single submitter. Criteria: Invitae Variant Classification Sherloc (09022015). Collection method: clinical testing. Allele origin: germline.
Comment: Algorithms developed to predict the effect of missense changes on protein structure and function are either unavailable or do not agree on the potential impact of this missense change (SIFT: "Not Available"; PolyPhen-2: "Probably Damaging"; Align-GVGD: "Not Available"). In summary, the available evidence is currently insufficient to determine the role of this variant in disease. Therefore, it has been classified as a Variant of Uncertain Significance. This variant has not been reported in the literature in individuals with UNC80-related conditions. This variant is not present in population databases (ExAC no frequency). This sequence change replaces threonine with methionine at codon 1650 of the UNC80 protein (p.Thr1650Met). The threonine residue is moderately conserved and there is a moderate physicochemical difference between threonine and methionine.